The following is an entry in ClinVar:

ClinVar aggregate classification (germline): Likely pathogenic. Review status: criteria provided, single submitter (1 of 4 stars). 2 submissions from 1 submitter: Likely pathogenic (2). Last evaluated 2014-08-04.

Conditions:
Marfanoid habitus and intellectual disability. Identifiers: MedGen CN263130.
Malan overgrowth syndrome (MALNS). Also called: MALAN SYNDROME; Sotos syndrome 2; NFIX-Related Malan Syndrome. Identifiers: Orphanet 420179, MedGen C3553660, MONDO:0013885, OMIM 614753.
Marshall-Smith syndrome (MRSHSS). Identifiers: Orphanet 561, MedGen C0265211, MONDO:0011244, OMIM 602535.

Submissions (2):

Equipe Genetique des Anomalies du Developpement, Université de Bourgogne
Classification: Likely pathogenic for Malan overgrowth syndrome. Last evaluated: 2014-08-04. Review status: criteria provided, single submitter. Criteria: ACMG Guidelines, 2015. Collection method: clinical testing. Allele origin: de novo. Affected: yes. Study: Clinvar_gadteam_Clinical_exome_analysis_3.

Equipe Genetique des Anomalies du Developpement, Université de Bourgogne
Classification: Likely pathogenic for Marfanoid habitus and intellectual disability. Review status: criteria provided, single submitter. Criteria: ACMG Guidelines, 2015. Collection method: research. Allele origin: de novo. Affected: yes.

NM_001365902.3(NFIX):c.337A>G (p.Lys113Glu)

Gene: NFIX (nuclear factor I X; plus strand). Cytogenetic location: 19p13.13.
Variant type: single nucleotide variant.
Coding change: c.337A>G on transcript NM_001365902.3 (MANE Select); coding-DNA position 337, A replaced by G.
Protein change: p.Lys113Glu; replaces lysine 113 with glutamic acid.
Molecular consequence: missense variant.
Genome position (GRCh38, 1-based): chr19:13,025,330, A>G. VCF-style: chr19-13025330-A-G. GRCh37 (hg19) VCF-style: chr19-13136144-A-G.
Other names: c.361A>G, p.Lys121Glu (NM_001271043.2); c.313A>G, p.Lys105Glu (NM_001271044.3, NM_001378404.1); c.337A>G, p.Lys113Glu (NM_001365982.2, NM_002501.4); c.196A>G, p.Lys66Glu (NM_001365983.2); c.334A>G, p.Lys112Glu (NM_001365984.2, NM_001365985.2); c.385A>G, p.Lys129Glu (NM_001378405.1); short protein forms K113E, K121E, K66E, K105E, K112E, K129E.
Identifiers: ClinVar variation 559884 (VCV000559884.5), dbSNP rs1555696597, ClinGen allele CA404314422.
Genomic context (GRCh38, chr19:13,025,330, plus strand): 5'-CTGACCATCACGGGCAAGAAGCCCCCCTGCTGCGTGCTCTCCAACCCCGACCAGAAGGGC[A>G]AGATCCGGCGGATTGACTGCCTGCGCCAGGCTGACAAGGTGTGGCGGCTGGACCTGGTCA-3'
Protein context (NP_001352831.1, residues 103-123): CVLSNPDQKG[Lys113Glu]IRRIDCLRQA